The following is an entry in ClinVar:

ClinVar aggregate classification (germline): Uncertain significance (1 of 4 stars; one submission).

Allele frequency attached by ClinVar (database versions not stated): gnomAD exomes below 0.00001; ExAC 0.00003.
gnomAD v4.1: 4 of 1,607,070 alleles (0.00025%); highest among the groups gnomAD compares: Admixed American, 0.0051%; no homozygotes.

Submission:

Labcorp Genetics (formerly Invitae), Labcorp
Classification: Uncertain significance. Last evaluated: 2023-11-13. Review status: criteria provided, single submitter. Criteria: Invitae Variant Classification Sherloc (09022015). Collection method: clinical testing. Allele origin: germline.
Comment: This sequence change replaces alanine, which is neutral and non-polar, with threonine, which is neutral and polar, at codon 22 of the LMX1B protein (p.Ala22Thr). The frequency data for this variant in the population databases is considered unreliable, as metrics indicate poor data quality at this position in the gnomAD database. This variant has not been reported in the literature in individuals affected with LMX1B-related conditions. Algorithms developed to predict the effect of missense changes on protein structure and function output the following: SIFT: "Not Available"; PolyPhen-2: "Benign"; Align-GVGD: "Not Available". The threonine amino acid residue is found in multiple mammalian species, which suggests that this missense change does not adversely affect protein function. In summary, the available evidence is currently insufficient to determine the role of this variant in disease. Therefore, it has been classified as a Variant of Uncertain Significance.

NM_001174147.2(LMX1B):c.64G>A (p.Ala22Thr)

Gene: LMX1B (LIM homeobox transcription factor 1 beta; plus strand). Cytogenetic location: 9q33.3.
Variant type: single nucleotide variant.
Coding change: c.64G>A on transcript NM_001174147.2 (MANE Select); coding-DNA position 64, G replaced by A.
Protein change: p.Ala22Thr; replaces alanine 22 with threonine.
Molecular consequence: missense variant.
Genome position (GRCh38, 1-based): chr9:126,614,513, G>A. VCF-style: chr9-126614513-G-A. GRCh37 (hg19) VCF-style: chr9-129376792-G-A.
Other names: c.64G>A, p.Ala22Thr (NM_001174146.2, NM_002316.4); short protein forms A22T.
Identifiers: ClinVar variation 2803851 (VCV002803851.3), dbSNP rs747468994, ClinGen allele CA5242207.